The following is an entry in ClinVar:

NM_020778.5(ALPK3):c.2513G>T (p.Cys838Phe)

Gene: ALPK3 (alpha kinase 3; plus strand). Cytogenetic location: 15q25.3.
Variant type: single nucleotide variant.
Coding change: c.2513G>T on transcript NM_020778.5 (MANE Select); coding-DNA position 2513, G replaced by T.
Protein change: p.Cys838Phe; replaces cysteine 838 with phenylalanine.
Molecular consequence: missense variant.
Genome position (GRCh38, 1-based): chr15:84,857,251, G>T. VCF-style: chr15-84857251-G-T. GRCh37 (hg19) VCF-style: chr15-85400482-G-T.
Other names: short protein forms C838F.
Identifiers: ClinVar variation 1357245 (VCV001357245.12), dbSNP rs202037221, ClinGen allele CA7709433.

ClinVar aggregate classification (germline): Conflicting classifications of pathogenicity. Review status: criteria provided, conflicting classifications (1 of 4 stars). 3 submissions from 3 submitters: Uncertain significance (2); Likely benign (1). Last evaluated 2026-05-04.

Conditions:
Cardiovascular phenotype. Identifiers: MedGen CN230736.

Allele frequency attached by ClinVar (database versions not stated): ExAC 0.00002; gnomAD exomes 0.00008 and 0.00002; gnomAD 0.00007 and 0.00006; TOPMed 0.00007; ESP Exome Variant Server 0.00023.
gnomAD v4.1: 116 of 1,613,938 alleles (0.0072%); highest among the groups gnomAD compares: Non-Finnish European, 0.0097%; no homozygotes.

Submissions (3):

Women's Health and Genetics/Laboratory Corporation of America, LabCorp
Classification: Uncertain significance. Last evaluated: 2026-05-04. Review status: criteria provided, single submitter. Criteria: LabCorp Variant Classification Summary - May 2015. Collection method: clinical testing. Allele origin: germline.
Comment: Variant summary: ALPK3 c.2513G>T (p.Cys838Phe) results in a non-conservative amino acid change in the encoded protein sequence. Algorithms developed to predict the effect of missense changes on protein structure and function are either unavailable or do not agree on the potential impact of this missense change. The variant allele was found at a frequency of 2e-05 in 250580 control chromosomes. The available data on variant occurrences in the general population are insufficient to allow any conclusion about variant significance. To our knowledge, no occurrence of c.2513G>T in individuals affected with ALPK3-related conditions and no experimental evidence demonstrating its impact on protein function have been reported. ClinVar contains an entry for this variant (Variation ID: 1357245). Based on the evidence outlined above, the variant was classified as uncertain significance.

Labcorp Genetics (formerly Invitae), Labcorp
Classification: Uncertain significance. Last evaluated: 2026-01-09. Review status: criteria provided, single submitter. Criteria: Invitae Variant Classification Sherloc (09022015). Collection method: clinical testing. Allele origin: germline.
Comment: This sequence change replaces cysteine, which is neutral and slightly polar, with phenylalanine, which is neutral and non-polar, at codon 1040 of the ALPK3 protein (p.Cys1040Phe). This variant is present in population databases (rs202037221, gnomAD 0.003%). This variant has not been reported in the literature in individuals affected with ALPK3-related conditions. ClinVar contains an entry for this variant (Variation ID: 1357245). Invitae Evidence Modeling of protein sequence and biophysical properties (such as structural, functional, and spatial information, amino acid conservation, physicochemical variation, residue mobility, and thermodynamic stability) indicates that this missense variant is expected to disrupt ALPK3 protein function with a positive predictive value of 80%. In summary, the available evidence is currently insufficient to determine the role of this variant in disease. Therefore, it has been classified as a Variant of Uncertain Significance.

Ambry Genetics
Classification: Likely benign for Cardiovascular phenotype. Last evaluated: 2025-09-24. Review status: criteria provided, single submitter. Criteria: Ambry Variant Classification Scheme 2023. Collection method: clinical testing. Allele origin: germline.